The following is an entry in ClinVar:

ClinVar aggregate classification (germline): Benign. Review status: criteria provided, multiple submitters, no conflicts (2 of 4 stars). 3 submissions from 3 submitters: Benign (2). 1 of the submissions does not count toward it. Last evaluated 2021-08-10.

Conditions:
Usher syndrome type 2C. Also called: USHER SYNDROME, TYPE IIC; Usher syndrome, type 2B. Identifiers: Orphanet 231178, Orphanet 886, MedGen C2931213, MONDO:0011558, OMIM 605472.

Allele frequency attached by ClinVar (database versions not stated): gnomAD 0.53367; TOPMed 0.54857; gnomAD exomes 0.56201; ExAC 0.56979.
gnomAD v4.1: 494,535 of 943,320 alleles (52%); highest among the groups gnomAD compares: East Asian, 78%; 130,791 homozygotes.

Submissions (3):

Genome-Nilou Lab
Classification: Benign for Usher syndrome type 2C. Last evaluated: 2021-08-10. Review status: criteria provided, single submitter. Criteria: ACMG Guidelines, 2015. Collection method: clinical testing. Allele origin: germline. Affected: no.

GeneDx
Classification: Benign. Last evaluated: 2019-08-08. Review status: criteria provided, single submitter. Criteria: GeneDx Variant Classification Process June 2021. Collection method: clinical testing. Allele origin: germline. Affected: yes.

Genetic Services Laboratory, University of Chicago
Classification: Likely benign. Review status: no assertion criteria provided. Collection method: clinical testing. Allele origin: germline. Inheritance: Autosomal dominant inheritance. Not counted in ClinVar's aggregate classification.
Comment: Likely benign based on allele frequency in 1000 Genomes Project or ESP global frequency and its presence in a patient with a rare or unrelated disease phenotype. NOT Sanger confirmed

NM_032119.4(ADGRV1):c.10161+26G>T

Gene: ADGRV1 (adhesion G protein-coupled receptor V1; plus strand). Cytogenetic location: 5q14.3.
Variant type: single nucleotide variant.
Coding change: c.10161+26G>T on transcript NM_032119.4 (MANE Select); 26 bases into the intron after coding-DNA position 10161, G replaced by T.
Molecular consequence: intron variant.
Genome position (GRCh38, 1-based): chr5:90,725,682, G>T. VCF-style: chr5-90725682-G-T. GRCh37 (hg19) VCF-style: chr5-90021499-G-T.
Identifiers: ClinVar variation 158642 (VCV000158642.9), dbSNP rs4916815, ClinGen allele CA172265.